The following is an entry in ClinVar:

NM_021012.5(KCNJ12):c.99C>T (p.Asn33=)

Gene: KCNJ12 (potassium inwardly rectifying channel subfamily J member 12; plus strand). Cytogenetic location: 17p11.2.
Variant type: single nucleotide variant.
Coding change: c.99C>T on transcript NM_021012.5 (MANE Select); coding-DNA position 99, C replaced by T.
Protein change: p.Asn33=; no amino-acid change (asparagine 33 retained).
Molecular consequence: synonymous variant.
Genome position (GRCh38, 1-based): chr17:21,415,441, C>T. VCF-style: chr17-21415441-C-T. GRCh37 (hg19) VCF-style: chr17-21318753-C-T.
Identifiers: ClinVar variation 3046911 (VCV003046911.2), dbSNP rs149252809, ClinGen allele CA8450988.
Genomic context (GRCh38, chr17:21,415,441, plus strand): 5'-GTCATCGGAGGAGGACGGGCTGCACCTGGTCACCATGTCGGGCGCCAACGGCTTCGGCAA[C>T]GGCAAGGTGCACACGCGGCGCAGGTGCCGCAACCGCTTCGTCAAGAAGAATGGCCAGTGC-3'
Protein context (NP_066292.2, residues 23-43): VTMSGANGFG[Asn33=]GKVHTRRRCR

ClinVar aggregate classification (germline): Likely benign (0 of 4 stars; one submission).

Conditions:
KCNJ12-related disorder. Also called: KCNJ12-related condition.

Allele frequency attached by ClinVar (database versions not stated): ESP Exome Variant Server 0.00023; 1000 Genomes Project 30x 0.00094.

Submission:

PreventionGenetics, part of Exact Sciences
Classification: Likely benign for KCNJ12-related condition. Last evaluated: 2020-09-03. Review status: no assertion criteria provided. Collection method: clinical testing. Allele origin: germline.
Comment: This variant is classified as likely benign based on ACMG/AMP sequence variant interpretation guidelines (Richards et al. 2015 PMID: 25741868, with internal and published modifications).